The following is an entry in ClinVar:

ClinVar aggregate classification (germline): Pathogenic (1 of 4 stars; one submission).

Conditions:
CEP290-related ciliopathy. Also called: CEP290 ciliopathy. Identifiers: MedGen CN305601, MONDO:0100451.

Submission:

Myriad Genetics, Inc.
Classification: Pathogenic for CEP290-related ciliopathy. Last evaluated: 2026-06-22. Review status: criteria provided, single submitter. Criteria: Myriad Autosomal Dominant, Autosomal Recessive and X-Linked Classification Criteria (2023). Collection method: clinical testing. Allele origin: unknown.
Comment: NM_025114.3(CEP290):c.5453delA(N1818Ifs*2) is expected to be pathogenic in the context of CEP290-related disorders. This variant is predicted to lead to an abnormal or absent protein product due to the creation of a premature termination codon in CEP290, a gene where loss-of-function variants are known to be pathogenic. Please note: this variant was assessed in the context of healthy population screening.

NM_025114.4(CEP290):c.5453del (p.Asn1818fs)

Gene: CEP290 (centrosomal protein 290; minus strand). Cytogenetic location: 12q21.32.
Variant type: Deletion.
Coding change: c.5453del on transcript NM_025114.4 (MANE Select); coding-DNA position 5453, one base deleted (A; older notation c.5453delA).
Protein change: p.Asn1818fs; shifts the reading frame from asparagine 1818.
Molecular consequence: frameshift variant.
Genome position (GRCh38, 1-based): chr12:88,077,830, T deleted on the plus strand (A on the coding strand, the reverse complement: CEP290 is on the minus strand); the first of 2 consecutive T bases (chr12:88,077,830-88,077,831); deleting either gives the same sequence. VCF-style (leftmost placement, unchanged base first): chr12-88077829-AT-A. GRCh37 (hg19) VCF-style: chr12-88471606-AT-A.
Other names: short protein forms N1818fs.
Identifiers: ClinVar variation 5016066 (VCV005016066.1).